The following is an entry in ClinVar:

ClinVar aggregate classification (germline): Likely benign. Review status: criteria provided, multiple submitters, no conflicts (2 of 4 stars). 2 submissions from 2 submitters: Likely benign (2). Last evaluated 2018-06-19.

Allele frequency attached by ClinVar (database versions not stated): 1000 Genomes Project 30x 0.01031; 1000 Genomes Project 0.01118; gnomAD 0.01543; TOPMed 0.02001.
gnomAD v4.1: 32,557 of 1,403,440 alleles (2.3%); highest among the groups gnomAD compares: Non-Finnish European, 2.6%; 452 homozygotes.

Submissions (2):

GeneDx
Classification: Likely benign. Last evaluated: 2018-06-19. Review status: criteria provided, single submitter. Criteria: GeneDx Variant Classification (06012015). Collection method: clinical testing. Allele origin: germline. Affected: yes.
Comment: This variant is considered likely benign or benign based on one or more of the following criteria: it is a conservative change, it occurs at a poorly conserved position in the protein, it is predicted to be benign by multiple in silico algorithms, and/or has population frequency not consistent with disease.

Breakthrough Genomics
Classification: Likely benign. Review status: criteria provided, single submitter. Criteria: ACMG Guidelines, 2015. Collection method: not provided. Allele origin: germline. Inheritance: Autosomal dominant inheritance. Affected: yes.

NM_001958.5(EEF1A2):c.622-91C>T

Gene: EEF1A2 (eukaryotic translation elongation factor 1 alpha 2; minus strand). Cytogenetic location: 20q13.33.
Variant type: single nucleotide variant.
Coding change: c.622-91C>T on transcript NM_001958.5 (MANE Select); 91 bases into the intron before coding-DNA position 622, C replaced by T.
Molecular consequence: intron variant.
Genome position (GRCh38, 1-based): chr20:63,493,378, G>A on the plus strand (C>T on the coding strand, the complement: EEF1A2 is on the minus strand). VCF-style: chr20-63493378-G-A. GRCh37 (hg19) VCF-style: chr20-62124731-G-A.
Identifiers: ClinVar variation 677391 (VCV000677391.2), dbSNP rs113504041, ClinGen allele CA14831514.